The following is an entry in ClinVar:

ClinVar aggregate classification (germline): Uncertain significance (1 of 4 stars; one submission).

Conditions:
Immunodeficiency 51 (IMD51). Also called: CANDIDIASIS, FAMILIAL, 5. Identifiers: Orphanet 1334, MedGen C4310803, MONDO:0013500, OMIM 613953.

Submission:

Labcorp Genetics (formerly Invitae), Labcorp
Classification: Uncertain significance for Immunodeficiency 51. Last evaluated: 2022-03-18. Review status: criteria provided, single submitter. Criteria: Invitae Variant Classification Sherloc (09022015). Collection method: clinical testing. Allele origin: germline.
Comment: This sequence change replaces arginine, which is basic and polar, with proline, which is neutral and non-polar, at codon 693 of the IL17RA protein (p.Arg693Pro). This variant is not present in population databases (gnomAD no frequency). This variant has not been reported in the literature in individuals affected with IL17RA-related conditions. Algorithms developed to predict the effect of missense changes on protein structure and function are either unavailable or do not agree on the potential impact of this missense change (SIFT: "Tolerated"; PolyPhen-2: "Possibly Damaging"; Align-GVGD: "Class C0"). In summary, the available evidence is currently insufficient to determine the role of this variant in disease. Therefore, it has been classified as a Variant of Uncertain Significance.

NM_014339.7(IL17RA):c.2078G>C (p.Arg693Pro)

Gene: IL17RA (interleukin 17 receptor A; plus strand). Cytogenetic location: 22q11.1.
Variant type: single nucleotide variant.
Coding change: c.2078G>C on transcript NM_014339.7 (MANE Select); coding-DNA position 2078, G replaced by C.
Protein change: p.Arg693Pro; replaces arginine 693 with proline.
Molecular consequence: missense variant.
Genome position (GRCh38, 1-based): chr22:17,109,297, G>C. VCF-style: chr22-17109297-G-C. GRCh37 (hg19) VCF-style: chr22-17590187-G-C.
Other names: c.1976G>C, p.Arg659Pro (NM_001289905.2); short protein forms R693P, R659P.
Identifiers: ClinVar variation 2041992 (VCV002041992.4), dbSNP rs773268718, ClinGen allele CA410220539.
Genomic context (GRCh38, chr22:17,109,297, plus strand): 5'-AGGAGGGGGCCCTGGTGGCCGCGGTGGAGCCTGGGCCCCTGGCTGACGGTGCCGCAGTCC[G>C]GCTGGCACTGGCGGGGGAGGGCGAGGCCTGCCCGCTGCTGGGCAGCCCGGGCGCTGGGCG-3'
Protein context (NP_055154.3, residues 683-703): PGPLADGAAV[Arg693Pro]LALAGEGEAC